The following is an entry in ClinVar:

ClinVar aggregate classification (germline): Uncertain significance (1 of 4 stars; one submission).

Allele frequency attached by ClinVar (database versions not stated): gnomAD exomes below 0.00001; gnomAD 0.00001; TOPMed 0.00001.
gnomAD v4.1: 2 of 1,612,618 alleles (0.00012%); highest among the groups gnomAD compares: African/African-American, 0.0027%; no homozygotes.

Submission:

Labcorp Genetics (formerly Invitae), Labcorp
Classification: Uncertain significance. Last evaluated: 2022-08-23. Review status: criteria provided, single submitter. Criteria: Invitae Variant Classification Sherloc (09022015). Collection method: clinical testing. Allele origin: germline.
Comment: In summary, the available evidence is currently insufficient to determine the role of this variant in disease. Therefore, it has been classified as a Variant of Uncertain Significance. Algorithms developed to predict the effect of missense changes on protein structure and function are either unavailable or do not agree on the potential impact of this missense change (SIFT: "Not Available"; PolyPhen-2: "Benign"; Align-GVGD: "Not Available"). This variant has not been reported in the literature in individuals affected with MYO18B-related conditions. This variant is not present in population databases (gnomAD no frequency). This sequence change replaces methionine, which is neutral and non-polar, with valine, which is neutral and non-polar, at codon 2003 of the MYO18B protein (p.Met2003Val).

NM_032608.7(MYO18B):c.6007A>G (p.Met2003Val)

Gene: MYO18B (myosin XVIIIB; plus strand). Cytogenetic location: 22q12.1.
Variant type: single nucleotide variant.
Coding change: c.6007A>G on transcript NM_032608.7 (MANE Select); coding-DNA position 6007, A replaced by G.
Protein change: p.Met2003Val; replaces methionine 2003 with valine.
Molecular consequence: missense variant.
Genome position (GRCh38, 1-based): chr22:25,955,215, A>G. VCF-style: chr22-25955215-A-G. GRCh37 (hg19) VCF-style: chr22-26351181-A-G.
Other names: c.6010A>G, p.Met2004Val (NM_001318245.2); short protein forms M2003V, M2004V.
Identifiers: ClinVar variation 1930529 (VCV001930529.5), dbSNP rs1232227990, ClinGen allele CA411008950.